The following is an entry in ClinVar:

ClinVar aggregate classification (germline): Uncertain significance. Review status: criteria provided, multiple submitters, no conflicts (2 of 4 stars). 2 submissions from 2 submitters: Uncertain significance (2). Last evaluated 2025-03-10.

gnomAD v4.1: 33 of 1,613,776 alleles (0.002%); highest among the groups gnomAD compares: African/African-American, 0.017%; no homozygotes.

Submissions (2):

Labcorp Genetics (formerly Invitae), Labcorp
Classification: Uncertain significance. Last evaluated: 2025-03-10. Review status: criteria provided, single submitter. Criteria: Invitae Variant Classification Sherloc (09022015). Collection method: clinical testing. Allele origin: germline.
Comment: This sequence change replaces arginine, which is basic and polar, with histidine, which is basic and polar, at codon 1002 of the ASPM protein (p.Arg1002His). This variant is present in population databases (rs749600804, gnomAD 0.003%). This variant has not been reported in the literature in individuals affected with ASPM-related conditions. ClinVar contains an entry for this variant (Variation ID: 1460642). Invitae Evidence Modeling of protein sequence and biophysical properties (such as structural, functional, and spatial information, amino acid conservation, physicochemical variation, residue mobility, and thermodynamic stability) indicates that this missense variant is not expected to disrupt ASPM protein function with a negative predictive value of 80%. In summary, the available evidence is currently insufficient to determine the role of this variant in disease. Therefore, it has been classified as a Variant of Uncertain Significance.

GeneDx
Classification: Uncertain significance. Last evaluated: 2024-10-08. Review status: criteria provided, single submitter. Criteria: GeneDx Variant Classification Process June 2021. Collection method: clinical testing. Allele origin: germline. Affected: yes.
Comment: Not observed at significant frequency in large population cohorts (gnomAD); In silico analysis supports that this missense variant has a deleterious effect on protein structure/function; Missense variant in a gene in which most reported pathogenic variants are truncating/loss of function; Has not been previously published as pathogenic or benign to our knowledge

NM_018136.5(ASPM):c.3005G>A (p.Arg1002His)

Gene: ASPM (assembly factor for spindle microtubules; minus strand). Cytogenetic location: 1q31.3.
Variant type: single nucleotide variant.
Coding change: c.3005G>A on transcript NM_018136.5 (MANE Select); coding-DNA position 3005, G replaced by A.
Protein change: p.Arg1002His; replaces arginine 1002 with histidine.
Molecular consequence: missense variant.
Genome position (GRCh38, 1-based): chr1:197,125,123, C>T on the plus strand (G>A on the coding strand, the complement: ASPM is on the minus strand). VCF-style: chr1-197125123-C-T. GRCh37 (hg19) VCF-style: chr1-197094253-C-T.
Other names: c.3005G>A, p.Arg1002His (NM_001206846.2); c.3005G>A (NM_018136.4); short protein forms R1002H.
Identifiers: ClinVar variation 1460642 (VCV001460642.7), dbSNP rs749600804, ClinGen allele CA1310279.